The following is an entry in ClinVar:

NM_003322.6(TULP1):c.964C>T (p.Pro322Ser)

Gene: TULP1 (TUB like protein 1; minus strand). Cytogenetic location: 6p21.31.
Variant type: single nucleotide variant.
Coding change: c.964C>T on transcript NM_003322.6 (MANE Select); coding-DNA position 964, C replaced by T.
Protein change: p.Pro322Ser; replaces proline 322 with serine.
Molecular consequence: missense variant.
Genome position (GRCh38, 1-based): chr6:35,506,038, G>A on the plus strand (C>T on the coding strand, the complement: TULP1 is on the minus strand). VCF-style: chr6-35506038-G-A. GRCh37 (hg19) VCF-style: chr6-35473815-G-A.
Other names: c.805C>T, p.Pro269Ser (NM_001289395.2); short protein forms P269S, P322S.
Identifiers: ClinVar variation 3775462 (VCV003775462.1).

ClinVar aggregate classification (germline): Uncertain significance (1 of 4 stars; one submission).

Conditions:
Retinitis pigmentosa 14 (RP14). Also called: RETINITIS PIGMENTOSA, JUVENILE, TULP1-RELATED. Identifiers: Orphanet 791, MedGen C1838603, MONDO:0010827, OMIM 600132.

Submission:

3billion
Classification: Uncertain significance for Retinitis pigmentosa 14. Last evaluated: 2023-08-17. Review status: criteria provided, single submitter. Criteria: ACMG Guidelines, 2015. Collection method: clinical testing. Allele origin: germline. Affected: yes.
Comment: The variant is not observed in the gnomAD v2.1.1 dataset. Predicted Consequence/Location: Missense variant In silico tool predictions suggest damaging effect of the variant on gene or gene product [REVEL: 0.95 (>=0.6, sensitivity 0.68 and specificity 0.92); 3Cnet: 0.82 (>=0.6, sensitivity 0.72 and precision 0.9)]. Therefore, this variant is classified as VUS according to the recommendation of ACMG/AMP guideline.